The following is an entry in ClinVar:

ClinVar aggregate classification (germline): Uncertain significance. Review status: criteria provided, multiple submitters, no conflicts (2 of 4 stars). 4 submissions from 4 submitters: Uncertain significance (4). Last evaluated 2025-10-27.

Conditions:
Hereditary cancer-predisposing syndrome. Also called: Hereditary neoplastic syndrome; Neoplastic Syndromes, Hereditary; Hereditary Cancer Syndrome; Tumor predisposition. Identifiers: Orphanet 140162, MedGen C0027672, MeSH D009386, MONDO:0015356.
Rhabdoid tumor predisposition syndrome 2 (RTPS2). Identifiers: Orphanet 231108, Orphanet 69077, MedGen C2750074, MONDO:0013224, OMIM 613325.
Intellectual disability, autosomal dominant 16 (CSS4). Also called: COFFIN-SIRIS SYNDROME 4. Identifiers: Orphanet 1465, MedGen C3553249, MONDO:0013821, OMIM 614609.

Allele frequency attached by ClinVar (database versions not stated): TOPMed below 0.00001; gnomAD 0.00001.

Submissions (4):

Labcorp Genetics (formerly Invitae), Labcorp
Classification: Uncertain significance for Rhabdoid tumor predisposition syndrome 2. Last evaluated: 2025-10-27. Review status: criteria provided, single submitter. Criteria: Invitae Variant Classification Sherloc (09022015). Collection method: clinical testing. Allele origin: germline.
Comment: This sequence change replaces proline, which is neutral and non-polar, with serine, which is neutral and polar, at codon 32 of the SMARCA4 protein (p.Pro32Ser). This variant is not present in population databases (gnomAD no frequency). This variant has not been reported in the literature in individuals affected with SMARCA4-related conditions. ClinVar contains an entry for this variant (Variation ID: 660003). Experimental studies and prediction algorithms are not available or were not evaluated, and the functional significance of this variant is currently unknown. In summary, the available evidence is currently insufficient to determine the role of this variant in disease. Therefore, it has been classified as a Variant of Uncertain Significance.

Ambry Genetics
Classification: Uncertain significance for Hereditary cancer-predisposing syndrome. Last evaluated: 2024-05-24. Review status: criteria provided, single submitter. Criteria: Ambry Variant Classification Scheme 2023. Collection method: clinical testing. Allele origin: germline.
Comment: The p.P32S variant (also known as c.94C>T), located in coding exon 1 of the SMARCA4 gene, results from a C to T substitution at nucleotide position 94. The proline at codon 32 is replaced by serine, an amino acid with similar properties. This amino acid position is highly conserved in available vertebrate species. In addition, the in silico prediction for this alteration is inconclusive. Based on the available evidence, the clinical significance of this variant remains unclear.

Genome-Nilou Lab
Classification: Uncertain significance for Intellectual disability, autosomal dominant 16. Last evaluated: 2021-07-15. Review status: criteria provided, single submitter. Criteria: ACMG Guidelines, 2015. Collection method: clinical testing. Allele origin: germline. Affected: no.

Baylor Genetics
Classification: Uncertain significance for Rhabdoid tumor predisposition syndrome 2. Last evaluated: 2021-02-09. Review status: criteria provided, single submitter. Criteria: ACMG Guidelines, 2015. Collection method: clinical testing. Allele origin: maternal. Affected: yes. Study: CSER-TexasKidsCanSeq.
Comment: This variant was determined to be of uncertain significance according to ACMG Guidelines, 2015 [PMID:25741868].

NM_003072.5(SMARCA4):c.94C>T (p.Pro32Ser)

Gene: SMARCA4 (SWI/SNF related BAF chromatin remodeling complex subunit ATPase 4; plus strand). Cytogenetic location: 19p13.2.
Variant type: single nucleotide variant.
Coding change: c.94C>T on transcript NM_003072.5 (MANE Select); coding-DNA position 94, C replaced by T.
Protein change: p.Pro32Ser; replaces proline 32 with serine.
Molecular consequence: missense variant. On other transcripts: non-coding transcript variant (1).
Genome position (GRCh38, 1-based): chr19:10,984,245, C>T. VCF-style: chr19-10984245-C-T. GRCh37 (hg19) VCF-style: chr19-11094921-C-T.
Other names: c.94C>T, p.Pro32Ser (NM_001128844.3, NM_001128845.2, NM_001128846.2 and 5 more transcripts); short protein forms P32S.
Identifiers: ClinVar variation 660003 (VCV000660003.17), dbSNP rs1304026031, ClinGen allele CA404054162.